The following is an entry in ClinVar:

NM_000051.4(ATM):c.3503dup (p.Cys1168fs)

Gene: ATM (ATM serine/threonine kinase; plus strand). Cytogenetic location: 11q22.3.
Variant type: Duplication.
Coding change: c.3503dup on transcript NM_000051.4 (MANE Select); coding-DNA position 3503, one base duplicated (G; older notation c.3503dupG).
Protein change: p.Cys1168fs; shifts the reading frame from cysteine 1168.
Molecular consequence: frameshift variant.
Genome position (GRCh38, 1-based): chr11:108,281,095, G duplicated. VCF-style (leftmost placement, unchanged base first): chr11-108281094-T-TG. GRCh37 (hg19) VCF-style: chr11-108151821-T-TG.
Other names: c.3503dup, p.Cys1168fs (NM_001351834.2); c.3503dupG (NM_000051.3); short protein forms C1168fs.
Identifiers: ClinVar variation 973547 (VCV000973547.11), dbSNP rs2082209411, ClinGen allele CA1139662226.

ClinVar aggregate classification (germline): Pathogenic/Likely pathogenic. Review status: criteria provided, multiple submitters, no conflicts (2 of 4 stars). 6 submissions from 6 submitters: Pathogenic (4); Likely pathogenic (2). Last evaluated 2026-09-14.

Conditions:
Ataxia-telangiectasia syndrome (AT). Also called: Ataxia-telangiectasia, complementation group D; AT, COMPLEMENTATION GROUP C; ATAXIA-TELANGIECTASIA, COMPLEMENTATION GROUP A; ATAXIA-TELANGIECTASIA, FRESNO VARIANT; Ataxia-telangiectasia; LOUIS-BAR SYNDROME. Identifiers: Orphanet 100, MedGen C0004135, MONDO:0008840, OMIM 208900.
Familial cancer of breast. Also called: Hereditary breast cancer; hereditary breast carcinoma; BREAST CANCER, FAMILIAL. Identifiers: Orphanet 227535, MedGen C0346153, MONDO:0016419, OMIM 114480. Disease mechanism: loss of function.
Hereditary cancer-predisposing syndrome. Also called: Tumor predisposition; Hereditary neoplastic syndrome; Neoplastic Syndromes, Hereditary; Hereditary Cancer Syndrome. Identifiers: Orphanet 140162, MedGen C0027672, MeSH D009386, MONDO:0015356.

Allele frequency attached by ClinVar (database versions not stated): gnomAD exomes below 0.00001.

Submissions (6):

Myriad Genetics, Inc.
Classification: Pathogenic for Familial cancer of breast. Last evaluated: 2026-09-14. Review status: criteria provided, single submitter. Criteria: Myriad Autosomal Dominant, Autosomal Recessive and X-Linked Classification Criteria (2023). Collection method: clinical testing. Allele origin: unknown.
Comment: This variant is considered pathogenic. This variant creates a frameshift predicted to result in premature protein truncation.

Labcorp Genetics (formerly Invitae), Labcorp
Classification: Pathogenic for Ataxia-telangiectasia syndrome. Last evaluated: 2024-10-16. Review status: criteria provided, single submitter. Criteria: Invitae Variant Classification Sherloc (09022015). Collection method: clinical testing. Allele origin: germline.
Comment: This sequence change creates a premature translational stop signal (p.Cys1168Trpfs*11) in the ATM gene. It is expected to result in an absent or disrupted protein product. Loss-of-function variants in ATM are known to be pathogenic (PMID: 23807571, 25614872). This variant is not present in population databases (gnomAD no frequency). This variant has not been reported in the literature in individuals affected with ATM-related conditions. ClinVar contains an entry for this variant (Variation ID: 973547). RNA analysis performed to evaluate the impact of this premature translational stop signal on mRNA splicing indicates it does not significantly alter splicing (internal data). For these reasons, this variant has been classified as Pathogenic.

Ambry Genetics
Classification: Pathogenic for Hereditary cancer-predisposing syndrome. Last evaluated: 2024-06-17. Review status: criteria provided, single submitter. Criteria: Ambry Variant Classification Scheme 2023. Collection method: clinical testing. Allele origin: germline.
Comment: The c.3503dupG pathogenic mutation, located in coding exon 23 of the ATM gene, results from a duplication of G at nucleotide position 3503, causing a translational frameshift with a predicted alternate stop codon (p.C1168Wfs*11). This variant is considered to be rare based on population cohorts in the Genome Aggregation Database (gnomAD). This alteration is expected to result in loss of function by premature protein truncation or nonsense-mediated mRNA decay. As such, this alteration is interpreted as a disease-causing mutation.

Fulgent Genetics
Classification: Likely pathogenic for Familial cancer of breast; Ataxia-telangiectasia syndrome. Last evaluated: 2024-03-29. Review status: criteria provided, single submitter. Criteria: ACMG Guidelines, 2015. Collection method: clinical testing. Allele origin: germline.

Baylor Genetics
Classification: Pathogenic for Familial cancer of breast. Last evaluated: 2024-02-26. Review status: criteria provided, single submitter. Criteria: ACMG Guidelines, 2015. Collection method: clinical testing. Allele origin: unknown.

CENTOGENE GmbH and LLC - Guiding Precision Medicine
Classification: Likely pathogenic for Ataxia-telangiectasia. Review status: criteria provided, single submitter. Criteria: ACMG Guidelines, 2015. Collection method: clinical testing. Allele origin: germline. Affected: yes.

Literature cited by the submitters: PubMed 23807571 (cited by Labcorp Genetics (formerly Invitae), Labcorp); PubMed 25614872 (cited by Labcorp Genetics (formerly Invitae), Labcorp).